The following is an entry in ClinVar:

ClinVar aggregate classification (germline): Likely pathogenic (1 of 4 stars; one submission).

Conditions:
Fanconi anemia (FA). Also called: Fanconi's anemia. Identifiers: Orphanet 84, MedGen C0015625, MeSH D005199, MONDO:0019391.

Allele frequency attached by ClinVar (database versions not stated): gnomAD exomes below 0.00001.
gnomAD v4.1: 2 of 1,611,598 alleles (0.00012%); highest among the groups gnomAD compares: Non-Finnish European, 0.00017%; no homozygotes.

Submission:

Labcorp Genetics (formerly Invitae), Labcorp
Classification: Likely pathogenic for Fanconi anemia. Last evaluated: 2022-11-03. Review status: criteria provided, single submitter. Criteria: Invitae Variant Classification Sherloc (09022015). Collection method: clinical testing. Allele origin: germline.
Comment: In summary, the currently available evidence indicates that the variant is pathogenic, but additional data are needed to prove that conclusively. Therefore, this variant has been classified as Likely Pathogenic. Algorithms developed to predict the effect of sequence changes on RNA splicing suggest that this variant may disrupt the consensus splice site. This variant has not been reported in the literature in individuals affected with FANCD2-related conditions. This variant is present in population databases (no rsID available, gnomAD 0.0009%). This sequence change affects an acceptor splice site in intron 2 of the FANCD2 gene. It is expected to disrupt RNA splicing. Variants that disrupt the donor or acceptor splice site typically lead to a loss of protein function (PMID: 16199547), and loss-of-function variants in FANCD2 are known to be pathogenic (PMID: 17436244).

Literature cited by the submitters: PubMed 16199547; PubMed 17436244.

NM_001018115.3(FANCD2):c.65-1G>T

Genes: FANCD2 (FA complementation group D2; plus strand), LOC107303338 (3p25 FANCD2 Alu-mediated recombination region; plus strand). Cytogenetic location: 3p25.3.
Variant type: single nucleotide variant.
Coding change: c.65-1G>T on transcript NM_001018115.3 (MANE Select); the canonical splice acceptor site of the intron before coding-DNA position 65, G replaced by T.
Molecular consequence: splice acceptor variant.
Genome position (GRCh38, 1-based): chr3:10,032,831, G>T. VCF-style: chr3-10032831-G-T. GRCh37 (hg19) VCF-style: chr3-10074515-G-T.
Other names: c.65-1G>T (NM_001319984.2, NM_001374253.1, NM_033084.6 and 2 more transcripts).
Identifiers: ClinVar variation 2907966 (VCV002907966.3), dbSNP rs1185068065, ClinGen allele CA351717833.